The following is an entry in ClinVar:

ClinVar aggregate classification (germline): Likely pathogenic (1 of 4 stars; one submission).

Conditions:
Focal segmental glomerulosclerosis 7 (FSGS7). Identifiers: Orphanet 656, MedGen C4014925, MONDO:0014451, OMIM 616002.

Submission:

3billion
Classification: Likely pathogenic for Focal segmental glomerulosclerosis 7. Last evaluated: 2024-04-18. Review status: criteria provided, single submitter. Criteria: ACMG Guidelines, 2015. Collection method: clinical testing. Allele origin: germline. Affected: yes.
Comment: The variant is not observed in the gnomAD v2.1.1 dataset. Predicted Consequence/Location: The variant is located in a mutational hot spot and/or well-established functional domain in which established pathogenic variants have been reported (PMID: 22213154). In silico tool predictions suggest damaging effect of the variant on gene or gene product [REVEL: 0.91 (>=0.6, sensitivity 0.68 and specificity 0.92); 3Cnet: 0.98 (>=0.6, sensitivity 0.72 and precision 0.9)]. Same nucleotide change resulting in same amino acid change has been previously reported to be associated with PAX2 related disorder (PMID: 33997468).The variant has been reported to co-segregate with the disease in at least 3 similarly affected relatives/individuals in the same family or similarly affected unrelated families (PMID: 33997468). Therefore, this variant is classified as Likely pathogenic according to the recommendation of ACMG/AMP guideline.

Literature cited by the submitters: PubMed 33997468; PubMed 22213154.

NM_000278.5(PAX2):c.175C>T (p.Arg59Trp)

Gene: PAX2 (paired box 2; plus strand). Cytogenetic location: 10q24.31.
Variant type: single nucleotide variant.
Coding change: c.175C>T on transcript NM_000278.5 (MANE Select); coding-DNA position 175, C replaced by T.
Protein change: p.Arg59Trp; replaces arginine 59 with tryptophan.
Molecular consequence: missense variant.
Genome position (GRCh38, 1-based): chr10:100,749,877, C>T. VCF-style: chr10-100749877-C-T. GRCh37 (hg19) VCF-style: chr10-102509634-C-T.
Other names: c.268C>T, p.Arg90Trp (NM_001304569.2); c.175C>T, p.Arg59Trp (NM_003987.5, NM_003988.5, NM_003989.5 and 1 more transcripts); short protein forms R59W, R90W.
Identifiers: ClinVar variation 1333274 (VCV001333274.4), dbSNP rs2133833948, ClinGen allele CA378257683.